The following is an entry in ClinVar:

NM_002439.5(MSH3):c.2436-5C>A

Gene: MSH3 (mutS homolog 3; plus strand). Cytogenetic location: 5q14.1.
Variant type: single nucleotide variant.
Coding change: c.2436-5C>A on transcript NM_002439.5 (MANE Select); 5 bases into the intron before coding-DNA position 2436, C replaced by A.
Molecular consequence: intron variant.
Genome position (GRCh38, 1-based): chr5:80,787,560, C>A. VCF-style: chr5-80787560-C-A. GRCh37 (hg19) VCF-style: chr5-80083379-C-A.
Identifiers: ClinVar variation 1791222 (VCV001791222.2), dbSNP rs954024168, ClinGen allele CA2580073520.

ClinVar aggregate classification (germline): Uncertain significance (1 of 4 stars; one submission).

Conditions:
Hereditary cancer-predisposing syndrome. Also called: Hereditary Cancer Syndrome; Hereditary neoplastic syndrome; Tumor predisposition; Neoplastic Syndromes, Hereditary. Identifiers: Orphanet 140162, MedGen C0027672, MeSH D009386, MONDO:0015356.

Submission:

Ambry Genetics
Classification: Uncertain significance for Hereditary cancer-predisposing syndrome. Last evaluated: 2021-08-16. Review status: criteria provided, single submitter. Criteria: Ambry Variant Classification Scheme 2023. Collection method: clinical testing. Allele origin: germline.
Comment: The c.2436-5C>A intronic variant results from a C to A substitution 5 nucleotides upstream from coding exon 18 in the MSH3 gene. This nucleotide position is poorly conserved in available vertebrate species. In silico splice site analysis predicts that this alteration will weaken the native splice acceptor site and will result in the creation or strengthening of a novel splice acceptor site. This variant is considered to be rare based on population cohorts in the Genome Aggregation Database (gnomAD). Since supporting evidence is limited at this time, the clinical significance of this alteration remains unclear.